The following is an entry in ClinVar:

ClinVar aggregate classification (germline): Likely benign. Review status: criteria provided, multiple submitters, no conflicts (2 of 4 stars). 2 submissions from 2 submitters: Likely benign (2). Last evaluated 2025-06-23.

Conditions:
Oligodontia-cancer predisposition syndrome. Also called: TOOTH AGENESIS-COLORECTAL CANCER SYNDROME. Identifiers: Orphanet 300576, MedGen C1837750, MONDO:0012075, OMIM 608615. Disease mechanism: loss of function.

Allele frequency attached by ClinVar (database versions not stated): gnomAD exomes below 0.00001.
gnomAD v4.1: 3 of 1,594,142 alleles (0.00019%); highest among the groups gnomAD compares: Non-Finnish European, 0.00026%; no homozygotes.

Submissions (2):

Labcorp Genetics (formerly Invitae), Labcorp
Classification: Likely benign for Oligodontia-cancer predisposition syndrome. Last evaluated: 2025-06-23. Review status: criteria provided, single submitter. Criteria: Invitae Variant Classification Sherloc (09022015). Collection method: clinical testing. Allele origin: germline.

Myriad Genetics, Inc.
Classification: Likely benign for Oligodontia-cancer predisposition syndrome. Last evaluated: 2024-06-28. Review status: criteria provided, single submitter. Criteria: Myriad Autosomal Dominant, Autosomal Recessive and X-Linked Classification Criteria (2023). Collection method: clinical testing. Allele origin: unknown.
Comment: This variant is considered likely benign. This variant is intronic and is not expected to impact mRNA splicing.

NM_004655.4(AXIN2):c.957-18T>C

Gene: AXIN2 (axin 2; minus strand). Cytogenetic location: 17q24.1.
Variant type: single nucleotide variant.
Coding change: c.957-18T>C on transcript NM_004655.4 (MANE Select); 18 bases into the intron before coding-DNA position 957, T replaced by C.
Molecular consequence: intron variant.
Genome position (GRCh38, 1-based): chr17:65,541,575, A>G on the plus strand (T>C on the coding strand, the complement: AXIN2 is on the minus strand). VCF-style: chr17-65541575-A-G. GRCh37 (hg19) VCF-style: chr17-63537693-A-G.
Other names: c.957-18T>C (NM_001363813.1).
Identifiers: ClinVar variation 1651211 (VCV001651211.9), dbSNP rs2144501115, ClinGen allele CA2573154719.
Genomic context (GRCh38, chr17:65,541,575, plus strand): 5'-GAGCTGTTTCTTACTGCCCACACGATAAGGAGGAATTCCATCTCTAAGGGAAAGGAAAAG[A>G]CAGAATCCACAGGCTTACGAGGATGTTTTCAGCACATCACATGGGCTACTGTCATATGCC-3'